The following is an entry in ClinVar:

ClinVar aggregate classification (germline): Uncertain significance (1 of 4 stars; one submission).

Conditions:
Cardiovascular phenotype. Identifiers: MedGen CN230736.

Allele frequency attached by ClinVar (database versions not stated): gnomAD exomes below 0.00001.
gnomAD v4.1: 1 of 1,610,106 alleles (0.000062%); highest among the groups gnomAD compares: Non-Finnish European, 0.000085%; no homozygotes.

Submission:

Ambry Genetics
Classification: Uncertain significance for Cardiovascular phenotype. Last evaluated: 2023-03-31. Review status: criteria provided, single submitter. Criteria: Ambry Variant Classification Scheme 2023. Collection method: clinical testing. Allele origin: germline.
Comment: The p.A2075T variant (also known as c.6223G>A), located in coding exon 17 of the TNXB gene, results from a G to A substitution at nucleotide position 6223. The alanine at codon 2075 is replaced by threonine, an amino acid with similar properties. This amino acid position is conserved. In addition, this alteration is predicted to be tolerated by in silico analysis. Since supporting evidence is limited at this time, the clinical significance of this alteration remains unclear.

NM_001365276.2(TNXB):c.6223G>A (p.Ala2075Thr)

Gene: TNXB (tenascin XB; minus strand). Cytogenetic location: 6p21.33.
Variant type: single nucleotide variant.
Coding change: c.6223G>A on transcript NM_001365276.2 (MANE Select); coding-DNA position 6223, G replaced by A.
Protein change: p.Ala2075Thr; replaces alanine 2075 with threonine.
Molecular consequence: missense variant.
Genome position (GRCh38, 1-based): chr6:32,067,982, C>T on the plus strand (G>A on the coding strand, the complement: TNXB is on the minus strand). VCF-style: chr6-32067982-C-T. GRCh37 (hg19) VCF-style: chr6-32035759-C-T.
Other names: c.6223G>A, p.Ala2075Thr (NM_019105.8); short protein forms A2075T.
Identifiers: ClinVar variation 2565719 (VCV002565719.2), dbSNP rs2483565856, ClinGen allele CA363401444.